The following is an entry in ClinVar:

ClinVar aggregate classification (germline): Likely benign. Review status: criteria provided, multiple submitters, no conflicts (2 of 4 stars). 3 submissions from 3 submitters: Likely benign (3). Last evaluated 2026-03-01.

gnomAD v4.1: 130 of 1,614,036 alleles (0.0081%); highest among the groups gnomAD compares: Non-Finnish European, 0.0098%; no homozygotes.

Submissions (3):

CeGaT Center for Human Genetics Tuebingen
Classification: Likely benign. Last evaluated: 2026-03-01. Review status: criteria provided, single submitter. Criteria: CeGaT Center For Human Genetics Tuebingen Variant Classification Criteria Version 2. Collection method: clinical testing. Allele origin: germline. Affected: yes. Observed: 2 variant alleles.
Comment: MACF1: BP4, BP7

Labcorp Genetics (formerly Invitae), Labcorp
Classification: Likely benign. Last evaluated: 2025-05-14. Review status: criteria provided, single submitter. Criteria: Invitae Variant Classification Sherloc (09022015). Collection method: clinical testing. Allele origin: germline.

Blueprint Genetics
Classification: Likely benign. Last evaluated: 2022-11-07. Review status: criteria provided, single submitter. Criteria: ACMG Guidelines, 2015. Collection method: clinical testing. Allele origin: germline.

NM_001394062.1(MACF1):c.15477C>T (p.Ile5159=)

Gene: MACF1 (microtubule actin crosslinking factor 1; plus strand). Cytogenetic location: 1p34.3.
Variant type: single nucleotide variant.
Coding change: c.15477C>T on transcript NM_001394062.1 (MANE Select); coding-DNA position 15477, C replaced by T.
Protein change: p.Ile5159=; no amino-acid change (isoleucine 5159 retained).
Molecular consequence: synonymous variant.
Genome position (GRCh38, 1-based): chr1:39,388,319, C>T. VCF-style: chr1-39388319-C-T. GRCh37 (hg19) VCF-style: chr1-39853991-C-T.
Other names: c.9291C>T, p.Ile3097= (NM_012090.5).
Identifiers: ClinVar variation 3341739 (VCV003341739.18).
Genomic context (GRCh38, chr1:39,388,319, plus strand): 5'-TGATGAGCTAGATGGCATGGGTGCTATTGGCAGAGACACTGATAGCCTCCAGTCCCAAAT[C>T]GAGGATGTCCGGCTATTCCTTAACAAAATTCACGTCCTCAAATTAGACATAGAGGCCTCT-3'
Protein context (NP_001380991.1, residues 5149-5169): GRDTDSLQSQ[Ile5159=]EDVRLFLNKI